The following is an entry in ClinVar:

ClinVar aggregate classification (germline): Uncertain significance. Review status: criteria provided, multiple submitters, no conflicts (2 of 4 stars). 3 submissions from 3 submitters: Uncertain significance (3). Last evaluated 2025-07-18.

Conditions:
Hereditary nonpolyposis colorectal neoplasms. Identifiers: MedGen C0009405, MeSH D003123.
Endometrial carcinoma. Also called: Endometrial carcinoma, somatic. Identifiers: MedGen C0476089, MONDO:0002447, OMIM 608089, HP:0012114.
Lynch syndrome 5 (LYNCH5). Also called: Colorectal cancer, hereditary nonpolyposis, type 5; Hereditary non-polyposis colorectal cancer, type 5. Identifiers: Orphanet 144, MedGen C1833477, MONDO:0013710, OMIM 614350. Disease mechanism: loss of function.
Mismatch repair cancer syndrome 3. Identifiers: MedGen C5436807, MONDO:0030841, OMIM 619097.
Hereditary cancer-predisposing syndrome. Also called: Hereditary Cancer Syndrome; Tumor predisposition; Hereditary neoplastic syndrome; Neoplastic Syndromes, Hereditary. Identifiers: Orphanet 140162, MedGen C0027672, MeSH D009386, MONDO:0015356.

Allele frequency attached by ClinVar (database versions not stated): gnomAD exomes below 0.00001; ExAC 0.00001.
gnomAD v4.1: 4 of 1,614,112 alleles (0.00025%); highest among the groups gnomAD compares: South Asian, 0.0033%; no homozygotes.

Submissions (3):

Ambry Genetics
Classification: Uncertain significance for Hereditary cancer-predisposing syndrome. Last evaluated: 2025-07-18. Review status: criteria provided, single submitter. Criteria: Ambry Variant Classification Scheme 2023. Collection method: clinical testing. Allele origin: germline.
Comment: The p.T895R variant (also known as c.2684C>G), located in coding exon 4 of the MSH6 gene, results from a C to G substitution at nucleotide position 2684. The threonine at codon 895 is replaced by arginine, an amino acid with similar properties. This amino acid position is conserved. In addition, this alteration is predicted to be tolerated by in silico analysis. Based on the available evidence, the clinical significance of this variant remains unclear.

Fulgent Genetics
Classification: Uncertain significance for Endometrial carcinoma; Lynch syndrome 5; Mismatch repair cancer syndrome 3. Last evaluated: 2021-10-19. Review status: criteria provided, single submitter. Criteria: ACMG Guidelines, 2015. Collection method: clinical testing. Allele origin: unknown.

Labcorp Genetics (formerly Invitae), Labcorp
Classification: Uncertain significance for Hereditary nonpolyposis colorectal neoplasms. Last evaluated: 2018-11-05. Review status: criteria provided, single submitter. Criteria: Invitae Variant Classification Sherloc (09022015). Collection method: clinical testing. Allele origin: germline.
Comment: This sequence change replaces threonine with arginine at codon 895 of the MSH6 protein (p.Thr895Arg). The threonine residue is weakly conserved and there is a moderate physicochemical difference between threonine and arginine. This variant has not been reported in the literature in individuals with MSH6-related disease. Algorithms developed to predict the effect of missense changes on protein structure and function are either unavailable or do not agree on the potential impact of this missense change (SIFT: "Tolerated"; PolyPhen-2: "Possibly Damaging"; Align-GVGD: "Class C0"). In summary, the available evidence is currently insufficient to determine the role of this variant in disease. Therefore, it has been classified as a Variant of Uncertain Significance. This variant is present in population databases (rs780081278, ExAC 0.006%).

NM_000179.3(MSH6):c.2684C>G (p.Thr895Arg)

Gene: MSH6 (mutS homolog 6; plus strand). Cytogenetic location: 2p16.3.
Variant type: single nucleotide variant.
Coding change: c.2684C>G on transcript NM_000179.3 (MANE Select); coding-DNA position 2684, C replaced by G.
Protein change: p.Thr895Arg; replaces threonine 895 with arginine.
Molecular consequence: missense variant.
Genome position (GRCh38, 1-based): chr2:47,800,667, C>G. VCF-style: chr2-47800667-C-G. GRCh37 (hg19) VCF-style: chr2-48027806-C-G.
Other names: c.2294C>G, p.Thr765Arg (NM_001281492.2); c.1778C>G, p.Thr593Arg (NM_001281493.2, NM_001281494.2); short protein forms T593R, T765R, T895R.
Identifiers: ClinVar variation 645219 (VCV000645219.11), dbSNP rs780081278, ClinGen allele CA069436.